The following is an entry in ClinVar:

ClinVar aggregate classification (germline): Uncertain significance. Review status: criteria provided, multiple submitters, no conflicts (2 of 4 stars). 2 submissions from 2 submitters: Uncertain significance (2). Last evaluated 2021-10-06.

Conditions:
BAP1-related tumor predisposition syndrome (TPDS1). Also called: Tumor susceptibility linked to germline BAP1 mutations; BAP1 tumor predisposition syndrome; TUMOR PREDISPOSITION SYNDROME 1; COMMON Syndrome. Identifiers: Orphanet 289539, MedGen C3280492, MONDO:0013692, OMIM 614327.
Hereditary cancer-predisposing syndrome. Also called: Neoplastic Syndromes, Hereditary; Tumor predisposition; Hereditary neoplastic syndrome; Hereditary Cancer Syndrome. Identifiers: Orphanet 140162, MedGen C0027672, MeSH D009386, MONDO:0015356.

Submissions (2):

Labcorp Genetics (formerly Invitae), Labcorp
Classification: Uncertain significance for BAP1-related tumor predisposition syndrome. Last evaluated: 2021-10-06. Review status: criteria provided, single submitter. Criteria: Invitae Variant Classification Sherloc (09022015). Collection method: clinical testing. Allele origin: germline.
Comment: Algorithms developed to predict the effect of missense changes on protein structure and function are either unavailable or do not agree on the potential impact of this missense change (SIFT: "Tolerated"; PolyPhen-2: "Possibly Damaging"; Align-GVGD: "Class C0"). In summary, the available evidence is currently insufficient to determine the role of this variant in disease. Therefore, it has been classified as a Variant of Uncertain Significance. ClinVar contains an entry for this variant (Variation ID: 826321). This sequence change replaces methionine with leucine at codon 211 of the BAP1 protein (p.Met211Leu). The methionine residue is highly conserved and there is a small physicochemical difference between methionine and leucine. This variant is not present in population databases (ExAC no frequency). This variant has not been reported in the literature in individuals affected with BAP1-related conditions.

Ambry Genetics
Classification: Uncertain significance for Hereditary cancer-predisposing syndrome. Last evaluated: 2018-12-26. Review status: criteria provided, single submitter. Criteria: Ambry Variant Classification Scheme 2023. Collection method: clinical testing. Allele origin: germline.
Comment: The p.M211L variant (also known as c.631A>T), located in coding exon 8 of the BAP1 gene, results from an A to T substitution at nucleotide position 631. The methionine at codon 211 is replaced by leucine, an amino acid with highly similar properties. This amino acid position is highly conserved in available vertebrate species. In addition, the in silico prediction for this alteration is inconclusive. Since supporting evidence is limited at this time, the clinical significance of this alteration remains unclear.

NM_004656.4(BAP1):c.631A>T (p.Met211Leu)

Gene: BAP1 (BRCA1 associated deubiquitinase 1; minus strand). Cytogenetic location: 3p21.1.
Variant type: single nucleotide variant.
Coding change: c.631A>T on transcript NM_004656.4 (MANE Select); coding-DNA position 631, A replaced by T.
Protein change: p.Met211Leu; replaces methionine 211 with leucine.
Molecular consequence: missense variant.
Genome position (GRCh38, 1-based): chr3:52,406,857, T>A on the plus strand (A>T on the coding strand, the complement: BAP1 is on the minus strand). VCF-style: chr3-52406857-T-A. GRCh37 (hg19) VCF-style: chr3-52440873-T-A.
Other names: short protein forms M211L.
Identifiers: ClinVar variation 826321 (VCV000826321.10), dbSNP rs1578225825, ClinGen allele CA353108918.